The following continues an entry in ClinVar:

NM_000277.3(PAH):c.143T>C (p.Leu48Ser)

Gene: PAH. ClinVar aggregate classification (germline): Pathogenic. Pathogenic (1).

Submissions 12 to 25 of 25:

3billion
Classification: Pathogenic for Phenylketonuria. Last evaluated: 2023-02-23. Review status: criteria provided, single submitter. Criteria: ACMG Guidelines, 2015. Collection method: clinical testing. Allele origin: unknown. Affected: yes. Not counted in ClinVar's aggregate classification.
Comment: The variant is observed at an extremely low frequency in the gnomAD v2.1.1 dataset (total allele frequency: 0.012%). Missense changes are a common disease-causing mechanism. Functional studies provide strong evidence of the variant having a damaging effect on the gene or gene product (PMID: 17935162). In silico tool predictions suggest damaging effect of the variant on gene or gene product (REVEL: 0.97; 3Cnet: 0.98). The variant has been reported to be in trans with a pathogenic variant as either compound heterozygous or homozygous in at least 4 similarly affected unrelated individuals (PMID: 26481238). A different missense change at the same codon (p.Leu48Val) has been reported to be associated with PAH related disorder (PMID: 31623983). Therefore, this variant is classified as Pathogenic according to the recommendation of ACMG/AMP guideline.

Revvity Omics, Revvity
Classification: Pathogenic for Phenylketonuria. Last evaluated: 2022-05-02. Review status: criteria provided, single submitter. Criteria: ACMG Guidelines, 2015. Collection method: clinical testing. Allele origin: germline. Not counted in ClinVar's aggregate classification.

Fulgent Genetics
Classification: Pathogenic for Phenylketonuria. Last evaluated: 2022-02-08. Review status: criteria provided, single submitter. Criteria: ACMG Guidelines, 2015. Collection method: clinical testing. Allele origin: unknown. Not counted in ClinVar's aggregate classification.

Quest Diagnostics Nichols Institute San Juan Capistrano
Classification: Pathogenic. Last evaluated: 2021-10-12. Review status: criteria provided, single submitter. Criteria: Quest Diagnostics criteria. Collection method: clinical testing. Allele origin: unknown. Not counted in ClinVar's aggregate classification.
Comment: This variant is associated with a variable phenotype that ranges from hyperphenylalaninemia to classic PKU (PMIDs: 25596310 (2015), 23430547 (2013), 21953985 (2012), 16879198 (2006), and 1679030 (1991)). The variant occurs in multiple cases with a lone recessive pathogenic/likely pathogenic variant in the same gene, and several have a phenotype known to be consistent with disease. In addition, experimental studies have shown that this variant has deleterious effects on PAH enzyme activity and protein expression (PMIDs: 25596310 (2015), 23500595 (2013), 21953985 (2012), and 17935162 (2008)).

Myriad Genetics, Inc.
Classification: Pathogenic for Phenylketonuria. Last evaluated: 2019-12-09. Review status: criteria provided, single submitter. Criteria: Myriad Women's Health Autosomal Recessive and X-Linked Classification Criteria (2019). Collection method: clinical testing. Allele origin: unknown. Not counted in ClinVar's aggregate classification.
Comment: NM_000277.1(PAH):c.143T>C(L48S) is classified as pathogenic in the context of phenylalanine hydroxylase deficiency and is associated with classic or variant PKU. Sources cited for classification include the following: PMID 16879198, 22513348, 12501224, 9521426, 8889590, 23500595, 23430547, 21953985, 17935162 and 1679030. Classification of NM_000277.1(PAH):c.143T>C(L48S) is based on the following criteria: This is a well-established pathogenic variant in the literature that has been observed more frequently in patients with clinical diagnoses than in healthy populations. Please note: this variant was assessed in the context of healthy population screening.â€šÃ„Ã¶âˆšÃ‘âˆšÂ£

Centre for Mendelian Genomics, University Medical Centre Ljubljana
Classification: Pathogenic for Phenylketonuria. Last evaluated: 2019-03-28. Review status: criteria provided, single submitter. Criteria: ACMG Guidelines, 2015. Collection method: clinical testing. Allele origin: unknown. Affected: yes. Not counted in ClinVar's aggregate classification.
Comment: This variant was classified as: Pathogenic. The following ACMG criteria were applied in classifying this variant: PS1,PM1,PM2,PP2,PP3.

Equipe Genetique des Anomalies du Developpement, Université de Bourgogne
Classification: Pathogenic for Phenylketonuria. Last evaluated: 2018-10-17. Review status: criteria provided, single submitter. Criteria: ACMG Guidelines, 2015. Collection method: clinical testing. Allele origin: maternal. Affected: yes. Not counted in ClinVar's aggregate classification.

Women's Health and Genetics/Laboratory Corporation of America, LabCorp
Classification: Pathogenic for Phenylketonuria. Last evaluated: 2016-12-15. Review status: criteria provided, single submitter. Criteria: LabCorp Variant Classification Summary - May 2015. Collection method: clinical testing. Allele origin: germline. Not counted in ClinVar's aggregate classification.
Comment: Variant summary: The PAH c.143T>C (p.Leu48Ser) variant located in the ACT domain (via InterPro) causes a missense change involving a conserved nucleotide, to which 5/5 in silico tools predict a damaging outcome. The variant of interest was found in the large, broad control population, ExAC, with an allele frequency of 10/121396 (1/12135), which does not exceed the estimated maximal expected allele frequency for a pathogenic PAH variant of 1/126. The variant of interest has been reported in multiple affected individuals as homozygous and compound heterozygous and had been implicated to cause a mild PKU phenotype. In addition, multiple clinical diagnostic laboratories/databases cite the variant as "pathogenic." Therefore, the variant of interest has been classified as "pathogenic."

Center for Pediatric Genomic Medicine, Children's Mercy Hospital and Clinics
Classification: Pathogenic. Last evaluated: 2015-04-29. Review status: criteria provided, single submitter. Criteria: ACMG Guidelines, 2015. Collection method: clinical testing. Allele origin: germline. Not counted in ClinVar's aggregate classification.

Eurofins Ntd Llc (ga)
Classification: Pathogenic. Last evaluated: 2012-12-13. Review status: criteria provided, single submitter. Criteria: EGL Classification Definitions 2015. Collection method: clinical testing. Allele origin: germline. Observed: 14 variant alleles, 12 heterozygotes, 2 homozygotes. Not counted in ClinVar's aggregate classification.

Kariminejad - Najmabadi Pathology & Genetics Center
Classification: Pathogenic for Phenylketonuria. Review status: criteria provided, single submitter. Criteria: ACMG Guidelines, 2015. Collection method: clinical testing. Allele origin: germline. Affected: no. Not counted in ClinVar's aggregate classification.

PreventionGenetics, part of Exact Sciences
Classification: Pathogenic for PAH-related condition. Last evaluated: 2024-02-08. Review status: no assertion criteria provided. Collection method: clinical testing. Allele origin: germline. Not counted in ClinVar's aggregate classification.
Comment: The PAH c.143T>C variant is predicted to result in the amino acid substitution p.Leu48Ser. This variant has been well documented as causative for phenylalanine hydroxylase deficiency (e.g., Couce et al. 2013. PubMed ID: 23500595; Heintz et al. 2013. PubMed ID: 23559577, Table S3 in Hillert et al. 2020. PubMed ID: 32668217). The c.143T>C variant has been reported to reduce the activity of the PAH protein to 39% of wild-type, and individuals with the p.Leu48Ser substitution are often found to be responsive to tetrahydrobiopterin (BH4). However, it should be noted that there is some inconsistency in BH4-responsivness by individuals carrying this particular variant (Zurflüh et al. 2008. PubMed ID: 17935162). The ClinGen PAH Variant Curation Expert Panel, as well as several other labs, classify this variant as pathogenic. Based on these observations, we also interpret this variant as pathogenic.

OMIM
Classification: Pathogenic for PHENYLKETONURIA. Last evaluated: 2006-08-01. Review status: no assertion criteria provided. Collection method: literature only. Allele origin: germline. Not counted in ClinVar's aggregate classification.

DeBelle Laboratory for Biochemical Genetics, MUHC/MCH RESEARCH INSTITUTE
No classification provided. Review status: no classification provided. Collection method: not provided. Allele origin: not provided. Not counted in ClinVar's aggregate classification.

Literature cited by the submitters: PubMed 1679030 (cited by 6 submitters); PubMed 23430547 (cited by 6 submitters); PubMed 16879198 (cited by 5 submitters); PubMed 26322415 (cited by ClinGen PAH Variant Curation Expert Panel and Mayo Clinic Laboratories, Mayo Clinic); PubMed 17935162 (cited by 6 submitters); PubMed 9399896 (cited by Labcorp Genetics (formerly Invitae), Labcorp and Ambry Genetics); PubMed 23500595 (cited by 5 submitters); PubMed 11461190 (cited by Labcorp Genetics (formerly Invitae), Labcorp and Ambry Genetics); PubMed 25596310 (cited by 3 submitters); PubMed 26803807 (cited by Ambry Genetics); PubMed 30668579 (cited by Ambry Genetics); PubMed 31355225 (cited by Ambry Genetics); PubMed 31623983 (cited by Ambry Genetics and 3billion); PubMed 21953985 (cited by 3 submitters); PubMed 20217238 (cited by Variantyx, Inc.); PubMed 30159852 (cited by Natera, Inc.); PubMed 26481238 (cited by 3billion); PubMed 33465300 (cited by Quest Diagnostics Nichols Institute San Juan Capistrano); PubMed 22513348 (cited by Myriad Genetics, Inc.); PubMed 12501224 (cited by Myriad Genetics, Inc.); PubMed 9521426 (cited by Myriad Genetics, Inc.); PubMed 8889590 (cited by Myriad Genetics, Inc.); PubMed 21147011 (cited by Women's Health and Genetics/Laboratory Corporation of America, LabCorp).